The following is an entry in ClinVar:

ClinVar aggregate classification (germline): Uncertain significance (1 of 4 stars; one submission).

Conditions:
Pulmonary hypertension, primary, 2. Identifiers: Orphanet 422, MedGen C3888002, MONDO:0014134, OMIM 615342.

gnomAD v4.1: 14 of 1,613,782 alleles (0.00087%); highest among the groups gnomAD compares: South Asian, 0.0022%; no homozygotes.

Submission:

Labcorp Genetics (formerly Invitae), Labcorp
Classification: Uncertain significance for Pulmonary hypertension, primary, 2. Last evaluated: 2024-08-20. Review status: criteria provided, single submitter. Criteria: Invitae Variant Classification Sherloc (09022015). Collection method: clinical testing. Allele origin: germline.
Comment: This sequence change replaces threonine, which is neutral and polar, with methionine, which is neutral and non-polar, at codon 70 of the SMAD9 protein (p.Thr70Met). This variant is not present in population databases (gnomAD no frequency). This variant has not been reported in the literature in individuals affected with SMAD9-related conditions. Invitae Evidence Modeling of protein sequence and biophysical properties (such as structural, functional, and spatial information, amino acid conservation, physicochemical variation, residue mobility, and thermodynamic stability) indicates that this missense variant is not expected to disrupt SMAD9 protein function with a negative predictive value of 80%. In summary, the available evidence is currently insufficient to determine the role of this variant in disease. Therefore, it has been classified as a Variant of Uncertain Significance.

NM_001127217.3(SMAD9):c.209C>T (p.Thr70Met)

Gene: SMAD9 (SMAD family member 9; minus strand). Cytogenetic location: 13q13.3.
Variant type: single nucleotide variant.
Coding change: c.209C>T on transcript NM_001127217.3 (MANE Select); coding-DNA position 209, C replaced by T.
Protein change: p.Thr70Met; replaces threonine 70 with methionine.
Molecular consequence: missense variant.
Genome position (GRCh38, 1-based): chr13:36,879,481, G>A on the plus strand (C>T on the coding strand, the complement: SMAD9 is on the minus strand). VCF-style: chr13-36879481-G-A. GRCh37 (hg19) VCF-style: chr13-37453618-G-A.
Other names: c.209C>T, p.Thr70Met (NM_001378621.1, NM_005905.6); short protein forms T70M.
Identifiers: ClinVar variation 3666535 (VCV003666535.2).